The following is an entry in ClinVar:

ClinVar aggregate classification (germline): Uncertain significance (1 of 4 stars; one submission).

Conditions:
Intellectual developmental disorder, autosomal dominant 1. Also called: MBD5 Haploinsufficiency; Intellectual disability, autosomal dominant 1. Identifiers: Orphanet 228402, MedGen C1969562, MONDO:0007974, OMIM 156200.

Submission:

Labcorp Genetics (formerly Invitae), Labcorp
Classification: Uncertain significance for Intellectual developmental disorder, autosomal dominant 1. Last evaluated: 2024-06-16. Review status: criteria provided, single submitter. Criteria: Invitae Variant Classification Sherloc (09022015). Collection method: clinical testing. Allele origin: germline.
Comment: This sequence change replaces glycine, which is neutral and non-polar, with serine, which is neutral and polar, at codon 15 of the MBD5 protein (p.Gly15Ser). This variant is not present in population databases (gnomAD no frequency). This variant has not been reported in the literature in individuals affected with MBD5-related conditions. Advanced modeling of protein sequence and biophysical properties (such as structural, functional, and spatial information, amino acid conservation, physicochemical variation, residue mobility, and thermodynamic stability) performed at Invitae indicates that this missense variant is not expected to disrupt MBD5 protein function with a negative predictive value of 80%. In summary, the available evidence is currently insufficient to determine the role of this variant in disease. Therefore, it has been classified as a Variant of Uncertain Significance.

NM_001378120.1(MBD5):c.43G>A (p.Gly15Ser)

Gene: MBD5 (methyl-CpG binding domain protein 5; plus strand). Cytogenetic location: 2q23.1.
Variant type: single nucleotide variant.
Coding change: c.43G>A on transcript NM_001378120.1 (MANE Select); coding-DNA position 43, G replaced by A.
Protein change: p.Gly15Ser; replaces glycine 15 with serine.
Molecular consequence: missense variant.
Genome position (GRCh38, 1-based): chr2:148,458,801, G>A. VCF-style: chr2-148458801-G-A. GRCh37 (hg19) VCF-style: chr2-149216370-G-A.
Other names: c.43G>A, p.Gly15Ser (NM_018328.5); short protein forms G15S.
Identifiers: ClinVar variation 3638291 (VCV003638291.2).